The following is an entry in ClinVar:

NM_000051.4(ATM):c.1251C>A (p.Thr417=)

Gene: ATM (ATM serine/threonine kinase; plus strand). Cytogenetic location: 11q22.3.
Variant type: single nucleotide variant.
Coding change: c.1251C>A on transcript NM_000051.4 (MANE Select); coding-DNA position 1251, C replaced by A.
Protein change: p.Thr417=; no amino-acid change (threonine 417 retained).
Molecular consequence: synonymous variant.
Genome position (GRCh38, 1-based): chr11:108,250,716, C>A. VCF-style: chr11-108250716-C-A. GRCh37 (hg19) VCF-style: chr11-108121443-C-A.
Other names: c.1251C>A, p.Thr417= (NM_001351834.2).
Identifiers: ClinVar variation 3254106 (VCV003254106.2), dbSNP rs1555070643.

ClinVar aggregate classification (germline): Benign/Likely benign. Review status: criteria provided, multiple submitters, no conflicts (2 of 4 stars). 2 submissions from 2 submitters: Benign (1); Likely benign (1). Last evaluated 2026-07-19.

Conditions:
Familial cancer of breast. Also called: BREAST CANCER, FAMILIAL; Hereditary breast cancer; hereditary breast carcinoma. Identifiers: Orphanet 227535, MedGen C0346153, MONDO:0016419, OMIM 114480. Disease mechanism: loss of function.
Hereditary cancer-predisposing syndrome. Also called: Neoplastic Syndromes, Hereditary; Tumor predisposition; Hereditary Cancer Syndrome; Hereditary neoplastic syndrome. Identifiers: Orphanet 140162, MedGen C0027672, MeSH D009386, MONDO:0015356.

Submissions (2):

Ambry Genetics
Classification: Likely benign for Hereditary cancer-predisposing syndrome. Last evaluated: 2026-07-19. Review status: criteria provided, single submitter. Criteria: Ambry Variant Classification Scheme 2023. Collection method: clinical testing. Allele origin: germline.

Myriad Genetics, Inc.
Classification: Benign for Familial cancer of breast. Last evaluated: 2024-04-26. Review status: criteria provided, single submitter. Criteria: Myriad Autosomal Dominant, Autosomal Recessive and X-Linked Classification Criteria (2023). Collection method: clinical testing. Allele origin: unknown.
Comment: This variant is considered benign. This variant is a silent/synonymous amino acid change and it is not expected to impact splicing.